The following is an entry in ClinVar:

ClinVar aggregate classification (germline): Uncertain significance (1 of 4 stars; one submission).

Submission:

Labcorp Genetics (formerly Invitae), Labcorp
Classification: Uncertain significance. Last evaluated: 2025-06-03. Review status: criteria provided, single submitter. Criteria: Invitae Variant Classification Sherloc (09022015). Collection method: clinical testing. Allele origin: germline.
Comment: This sequence change replaces methionine, which is neutral and non-polar, with threonine, which is neutral and polar, at codon 3196 of the DNAH9 protein (p.Met3196Thr). This variant is not present in population databases (gnomAD no frequency). This variant has not been reported in the literature in individuals affected with DNAH9-related conditions. Invitae Evidence Modeling of protein sequence and biophysical properties (such as structural, functional, and spatial information, amino acid conservation, physicochemical variation, residue mobility, and thermodynamic stability) indicates that this missense variant is expected to disrupt DNAH9 protein function with a positive predictive value of 80%. In summary, the available evidence is currently insufficient to determine the role of this variant in disease. Therefore, it has been classified as a Variant of Uncertain Significance.

NM_001372.4(DNAH9):c.9587T>C (p.Met3196Thr)

Gene: DNAH9 (dynein axonemal heavy chain 9; plus strand). Cytogenetic location: 17p12.
Variant type: single nucleotide variant.
Coding change: c.9587T>C on transcript NM_001372.4 (MANE Select); coding-DNA position 9587, T replaced by C.
Protein change: p.Met3196Thr; replaces methionine 3196 with threonine.
Molecular consequence: missense variant.
Genome position (GRCh38, 1-based): chr17:11,854,082, T>C. VCF-style: chr17-11854082-T-C. GRCh37 (hg19) VCF-style: chr17-11757399-T-C.
Other names: short protein forms M3196T.
Identifiers: ClinVar variation 4744761 (VCV004744761.1).